The following is an entry in ClinVar:

ClinVar aggregate classification (germline): Pathogenic (1 of 4 stars; one submission).

Conditions:
Familial adenomatous polyposis 1 (FAP1). Also called: POLYPOSIS, ADENOMATOUS INTESTINAL; FAMILIAL ADENOMATOUS POLYPOSIS 1, ATTENUATED. Identifiers: MedGen C2713442, MONDO:0021056, OMIM 175100. Disease mechanism: loss of function.

Submission:

Labcorp Genetics (formerly Invitae), Labcorp
Classification: Pathogenic for Familial adenomatous polyposis 1. Last evaluated: 2018-06-24. Review status: criteria provided, single submitter. Criteria: Invitae Variant Classification Sherloc (09022015). Collection method: clinical testing. Allele origin: germline.
Comment: This variant is not present in population databases (ExAC no frequency). This sequence change creates a premature translational stop signal (p.Ile606Lysfs*7) in the APC gene. It is expected to result in an absent or disrupted protein product. This variant has not been reported in the literature in individuals with APC-related disease. For these reasons, this variant has been classified as Pathogenic. Loss-of-function variants in APC are known to be pathogenic (PMID: 17963004, 20685668).

Literature cited by the submitters: PubMed 17963004; PubMed 20685668.

NM_000038.6(APC):c.1809_1816dup (p.Ile606fs)

Gene: APC (APC regulator of Wnt signaling pathway; plus strand). Cytogenetic location: 5q22.2.
Variant type: Duplication.
Coding change: c.1809_1816dup on transcript NM_000038.6 (MANE Select); coding-DNA positions 1809 to 1816, 8 bases duplicated (AGCTGATA; older notation c.1809_1816dupAGCTGATA).
Protein change: p.Ile606fs; shifts the reading frame from isoleucine 606.
Molecular consequence: frameshift variant.
Genome position (GRCh38, 1-based): chr5:112,835,016-112,835,023, AGCTGATA duplicated; duplicating any 8 consecutive bases within chr5:112,835,015-112,835,023 gives the same sequence; the c. name uses the placement nearest the transcript's 3' end. VCF-style (leftmost placement, unchanged base first): chr5-112835014-A-AAAGCTGAT. GRCh37 (hg19) VCF-style: chr5-112170711-A-AAAGCTGAT.
Other names: c.1809_1816dup, p.Ile606fs (NM_001127510.3, NM_001354895.2); c.1755_1762dup, p.Ile588fs (NM_001127511.3); c.1863_1870dup, p.Ile624fs (NM_001354896.2); c.1839_1846dup, p.Ile616fs (NM_001354897.2); c.1734_1741dup, p.Ile581fs (NM_001354898.2); c.1725_1732dup, p.Ile578fs (NM_001354899.2); c.1686_1693dup, p.Ile565fs (NM_001354900.2); c.1632_1639dup, p.Ile547fs (NM_001354901.2); and 5 more; short protein forms I323fs, I446fs, I480fs, I505fs, I515fs, I547fs, I565fs, I578fs.
Identifiers: ClinVar variation 1071741 (VCV001071741.8), dbSNP rs2149841774, ClinGen allele CA2499217459.
Genomic context (GRCh38, chr5:112,835,014, plus strand): 5'-TCAACCCTCAAAAGCGTATTGAGTGCCTTATGGAATTTGTCAGCACATTGCACTGAGAAT[A>AAAGCTGAT]AAGCTGATATATGTGCTGTAGATGGTGCACTTGCATTTTTGGTTGGCACTCTTACTTACC-3'